The following is an entry in ClinVar:

ClinVar aggregate classification (germline): Uncertain significance (1 of 4 stars; one submission).

Conditions:
Inborn genetic diseases. Identifiers: MedGen C0950123, MeSH D030342.

gnomAD v4.1: 6 of 1,614,222 alleles (0.00037%); highest among the groups gnomAD compares: Non-Finnish European, 0.00051%; no homozygotes.

Submission:

Ambry Genetics
Classification: Uncertain significance for Inborn genetic diseases. Last evaluated: 2026-07-06. Review status: criteria provided, single submitter. Criteria: Ambry Variant Classification Scheme 2023. Collection method: clinical testing. Allele origin: germline.
Comment: The p.D337E variant (also known as c.1011C>G), located in coding exon 6 of the ETV6 gene, results from a C to G substitution at nucleotide position 1011. The aspartic acid at codon 337 is replaced by glutamic acid, an amino acid with highly similar properties. This amino acid position is conserved. In addition, this alteration is predicted to be tolerated by in silico analysis. Based on the available evidence, the clinical significance of this variant remains unclear.

NM_001987.5(ETV6):c.1011C>G (p.Asp337Glu)

Genes: ETV6 (ETS variant transcription factor 6; plus strand), LOC126861452 (CDK7 strongly-dependent group 2 enhancer GRCh37_chr12:12037195-12038394; plus strand). Cytogenetic location: 12p13.2.
Variant type: single nucleotide variant.
Coding change: c.1011C>G on transcript NM_001987.5 (MANE Select); coding-DNA position 1011, C replaced by G.
Protein change: p.Asp337Glu; replaces aspartic acid 337 with glutamic acid.
Molecular consequence: missense variant. On other transcripts: intron variant (1).
Genome position (GRCh38, 1-based): chr12:11,884,446, C>G. VCF-style: chr12-11884446-C-G. GRCh37 (hg19) VCF-style: chr12-12037380-C-G.
Other names: c.1008C>G, p.Asp336Glu (NM_001413913.1); c.984C>G, p.Asp328Glu (NM_001413914.1); c.747C>G, p.Asp249Glu (NM_001413915.1); c.1010-6495C>G (NM_001413917.1); short protein forms D337E, D328E, D336E, D249E.
Identifiers: ClinVar variation 5036172 (VCV005036172.1).
Genomic context (GRCh38, chr12:11,884,446, plus strand): 5'-GGTTAGTGCCTCAACAAGAAACATTTTCAACAGTGTTTTCTTGCCCTTTTCCTCTGTAGA[C>G]TGTAGACTGCTTTGGGATTACGTCTATCAGTTGCTTTCTGACAGCCGGTACGAAAACTTC-3'
Protein context (NP_001978.1, residues 327-347): EHAMPIGRIA[Asp337Glu]CRLLWDYVYQ